The following is an entry in ClinVar:

NM_015156.4(RCOR1):c.422A>G (p.Asn141Ser)

Gene: RCOR1 (REST corepressor 1; plus strand). Cytogenetic location: 14q32.31.
Variant type: single nucleotide variant.
Coding change: c.422A>G on transcript NM_015156.4 (MANE Select); coding-DNA position 422, A replaced by G.
Protein change: p.Asn141Ser; replaces asparagine 141 with serine.
Molecular consequence: missense variant.
Genome position (GRCh38, 1-based): chr14:102,681,955, A>G. VCF-style: chr14-102681955-A-G. GRCh37 (hg19) VCF-style: chr14-103148292-A-G.
Other names: short protein forms N141S.
Identifiers: ClinVar variation 4693225 (VCV004693225.1).
Genomic context (GRCh38, chr14:102,681,955, plus strand): 5'-CCAAACTGGCAAGACGCAGTCAAGAACGGGACAATCTTGGCATGTTGGTCTGGTCACCCA[A>G]TCAAAATCTGTCAGAAGCAAAGTGTAAGTCTTGGAGCACTTTATTTTCCACCTTTCTTGT-3'
Protein context (NP_055971.2, residues 131-151): DNLGMLVWSP[Asn141Ser]QNLSEAKLDE

ClinVar aggregate classification (germline): Uncertain significance (1 of 4 stars; one submission).

gnomAD v4.1: 44 of 1,613,494 alleles (0.0027%); highest among the groups gnomAD compares: Non-Finnish European, 0.0036%; no homozygotes.

Submission:

Labcorp Genetics (formerly Invitae), Labcorp
Classification: Uncertain significance. Last evaluated: 2025-09-18. Review status: criteria provided, single submitter. Criteria: Invitae Variant Classification Sherloc (09022015). Collection method: clinical testing. Allele origin: germline.
Comment: This sequence change replaces asparagine, which is neutral and polar, with serine, which is neutral and polar, at codon 141 of the RCOR1 protein (p.Asn141Ser). This variant is present in population databases (rs376431110, gnomAD 0.0009%). This variant has not been reported in the literature in individuals affected with RCOR1-related conditions. An algorithm developed to predict the effect of missense changes on protein structure and function (PolyPhen-2) suggests that this variant is likely to be tolerated. In summary, the available evidence is currently insufficient to determine the role of this variant in disease. Therefore, it has been classified as a Variant of Uncertain Significance.